The following is an entry in ClinVar:

NM_130811.4(SNAP25):c.511A>G (p.Ile171Val)

Gene: SNAP25 (synaptosome associated protein 25; plus strand). Cytogenetic location: 20p12.2.
Variant type: single nucleotide variant.
Coding change: c.511A>G on transcript NM_130811.4 (MANE Select); coding-DNA position 511, A replaced by G.
Protein change: p.Ile171Val; replaces isoleucine 171 with valine.
Molecular consequence: missense variant.
Genome position (GRCh38, 1-based): chr20:10,299,371, A>G. VCF-style: chr20-10299371-A-G. GRCh37 (hg19) VCF-style: chr20-10280019-A-G.
Other names: c.511A>G, p.Ile171Val (NM_001322902.2, NM_001322903.2, NM_001322904.2 and 9 more transcripts); short protein forms I171V.
Identifiers: ClinVar variation 2829951 (VCV002829951.3), dbSNP rs753153384, ClinGen allele CA9763388.

ClinVar aggregate classification (germline): Uncertain significance (1 of 4 stars; one submission).

Conditions:
Congenital myasthenic syndrome 18. Also called: MYASTHENIC SYNDROME, CONGENITAL, 18, WITH INTELLECTUAL DISABILITY AND ATAXIA. Identifiers: Orphanet 590, MedGen C4225364, MONDO:0014590, OMIM 616330.

Allele frequency attached by ClinVar (database versions not stated): ExAC 0.00001; gnomAD exomes 0.00001; TOPMed 0.00001; gnomAD 0.00002.
gnomAD v4.1: 6 of 1,613,956 alleles (0.00037%); highest among the groups gnomAD compares: Non-Finnish European, 0.00051%; no homozygotes.

Submission:

Labcorp Genetics (formerly Invitae), Labcorp
Classification: Uncertain significance for Congenital myasthenic syndrome 18. Last evaluated: 2023-08-30. Review status: criteria provided, single submitter. Criteria: Invitae Variant Classification Sherloc (09022015). Collection method: clinical testing. Allele origin: germline.
Comment: In summary, the available evidence is currently insufficient to determine the role of this variant in disease. Therefore, it has been classified as a Variant of Uncertain Significance. An algorithm developed to predict the effect of missense changes on protein structure and function (PolyPhen-2) suggests that this variant is likely to be tolerated. This variant has not been reported in the literature in individuals affected with SNAP25-related conditions. This variant is not present in population databases (gnomAD no frequency). This sequence change replaces isoleucine, which is neutral and non-polar, with valine, which is neutral and non-polar, at codon 171 of the SNAP25 protein (p.Ile171Val).